The following is an entry in ClinVar:

ClinVar aggregate classification (germline): Uncertain significance. Review status: criteria provided, multiple submitters, no conflicts (2 of 4 stars). 2 submissions from 2 submitters: Uncertain significance (2). Last evaluated 2024-12-27.

Conditions:
Inborn genetic diseases. Identifiers: MedGen C0950123, MeSH D030342.

gnomAD v4.1: 1 of 1,614,122 alleles (0.000062%); highest among the groups gnomAD compares: Non-Finnish European, 0.000085%; no homozygotes.

Submissions (2):

Women's Health and Genetics/Laboratory Corporation of America, LabCorp
Classification: Uncertain significance. Last evaluated: 2024-12-27. Review status: criteria provided, single submitter. Criteria: LabCorp Variant Classification Summary - May 2015. Collection method: clinical testing. Allele origin: germline.
Comment: Variant summary: ASH1L c.4408C>T (p.Pro1470Ser) results in a non-conservative amino acid change in the encoded protein sequence. Two of four in-silico tools predict a benign effect of the variant on protein function. The variant allele was found at a frequency of 4e-06 in 251394 control chromosomes. The available data on variant occurrences in the general population are insufficient to allow any conclusion about variant significance. To our knowledge, no occurrence of c.4408C>T in individuals affected with Intellectual Disability, Autosomal Dominant 52 and no experimental evidence demonstrating its impact on protein function have been reported. No submitters have cited clinical-significance assessments for this variant to ClinVar. Based on the evidence outlined above, the variant was classified as uncertain significance.

Ambry Genetics
Classification: Uncertain significance for Inborn genetic diseases. Last evaluated: 2024-12-15. Review status: criteria provided, single submitter. Criteria: Ambry Variant Classification Scheme 2023. Collection method: clinical testing. Allele origin: germline.

NM_018489.3(ASH1L):c.4408C>T (p.Pro1470Ser)

Gene: ASH1L (ASH1 like histone lysine methyltransferase; minus strand). Cytogenetic location: 1q22.
Variant type: single nucleotide variant.
Coding change: c.4408C>T on transcript NM_018489.3 (MANE Select); coding-DNA position 4408, C replaced by T.
Protein change: p.Pro1470Ser; replaces proline 1470 with serine.
Molecular consequence: missense variant.
Genome position (GRCh38, 1-based): chr1:155,478,462, G>A on the plus strand (C>T on the coding strand, the complement: ASH1L is on the minus strand). VCF-style: chr1-155478462-G-A. GRCh37 (hg19) VCF-style: chr1-155448253-G-A.
Other names: c.4408C>T, p.Pro1470Ser (NM_001366177.2); c.4408C>T (NM_018489.2); short protein forms P1470S.
Identifiers: ClinVar variation 3768103 (VCV003768103.2).